The following is an entry in ClinVar:

ClinVar aggregate classification (germline): Benign (0 of 4 stars; one submission).

Conditions:
TOPBP1-related disorder. Also called: TOPBP1-related condition.

Allele frequency attached by ClinVar (database versions not stated): 1000 Genomes Project 0.06689; 1000 Genomes Project 30x 0.06730; ExAC 0.06769; gnomAD exomes 0.07665; gnomAD 0.07835; TOPMed 0.07872; ESP Exome Variant Server 0.08300.
gnomAD v4.1: 123,976 of 1,613,496 alleles (7.7%); highest among the groups gnomAD compares: Middle Eastern, 10%; 4,998 homozygotes.

Submission:

PreventionGenetics, part of Exact Sciences
Classification: Benign for TOPBP1-related condition. Last evaluated: 2019-10-21. Review status: no assertion criteria provided. Collection method: clinical testing. Allele origin: germline.
Comment: This variant is classified as benign based on ACMG/AMP sequence variant interpretation guidelines (Richards et al. 2015 PMID: 25741868, with internal and published modifications).

NM_007027.4(TOPBP1):c.4035+3G>A

Gene: TOPBP1 (DNA topoisomerase II binding protein 1; minus strand). Cytogenetic location: 3q22.1.
Variant type: single nucleotide variant.
Coding change: c.4035+3G>A on transcript NM_007027.4 (MANE Select); 3 bases into the intron after coding-DNA position 4035, G replaced by A.
Molecular consequence: intron variant.
Genome position (GRCh38, 1-based): chr3:133,612,386, C>T on the plus strand (G>A on the coding strand, the complement: TOPBP1 is on the minus strand). VCF-style: chr3-133612386-C-T. GRCh37 (hg19) VCF-style: chr3-133331230-C-T.
Other names: c.4020+3G>A (NM_001363889.2).
Identifiers: ClinVar variation 3056520 (VCV003056520.2), dbSNP rs71317417, ClinGen allele CA2623863.